The following is an entry in ClinVar:

NM_004006.3(DMD):c.4973G>A (p.Ser1658Asn)

Gene: DMD (dystrophin; minus strand). Cytogenetic location: Xp21.1.
Variant type: single nucleotide variant.
Coding change: c.4973G>A on transcript NM_004006.3 (MANE Select); coding-DNA position 4973, G replaced by A.
Protein change: p.Ser1658Asn; replaces serine 1658 with asparagine.
Molecular consequence: missense variant.
Genome position (GRCh38, 1-based): chrX:32,365,072, C>T on the plus strand (G>A on the coding strand, the complement: DMD is on the minus strand). VCF-style: chrX-32365072-C-T. GRCh37 (hg19) VCF-style: chrX-32383189-C-T.
Other names: p.S1658N:AGT>AAT; c.4949G>A, p.Ser1650Asn (NM_000109.4); c.4961G>A, p.Ser1654Asn (NM_004009.3); c.4604G>A, p.Ser1535Asn (NM_004010.3); c.950G>A, p.Ser317Asn (NM_004011.4); c.941G>A, p.Ser314Asn (NM_004012.4); short protein forms S1658N, S1535N, S314N, S317N, S1650N, S1654N.
Identifiers: ClinVar variation 201734 (VCV000201734.6), dbSNP rs794728999, ClinGen allele CA308352.

ClinVar aggregate classification (germline): Conflicting classifications of pathogenicity. Review status: criteria provided, conflicting classifications (1 of 4 stars). 2 submissions from 2 submitters: Uncertain significance (1); Likely benign (1). Last evaluated 2021-09-02.

Conditions:
Duchenne muscular dystrophy (DMD). Also called: MUSCULAR DYSTROPHY, PSEUDOHYPERTROPHIC PROGRESSIVE, DUCHENNE TYPE; Duchenne Muscular Dystrophy (DMD). Identifiers: Orphanet 98896, MedGen C0013264, MONDO:0010679, OMIM 310200.

Allele frequency attached by ClinVar (database versions not stated): gnomAD exomes below 0.00001; TOPMed 0.00001.

Submissions (2):

Labcorp Genetics (formerly Invitae), Labcorp
Classification: Uncertain significance for Duchenne muscular dystrophy. Last evaluated: 2021-09-02. Review status: criteria provided, single submitter. Criteria: Invitae Variant Classification Sherloc (09022015). Collection method: clinical testing. Allele origin: germline.
Comment: This sequence change replaces serine with asparagine at codon 1658 of the DMD protein (p.Ser1658Asn). The serine residue is highly conserved and there is a small physicochemical difference between serine and asparagine. This variant is not present in population databases (ExAC no frequency). This variant has not been reported in the literature in individuals affected with DMD-related conditions. ClinVar contains an entry for this variant (Variation ID: 201734). Algorithms developed to predict the effect of missense changes on protein structure and function are either unavailable or do not agree on the potential impact of this missense change (SIFT: "Deleterious"; PolyPhen-2: "Benign"; Align-GVGD: "Class C0"). In summary, the available evidence is currently insufficient to determine the role of this variant in disease. Therefore, it has been classified as a Variant of Uncertain Significance.

GeneDx
Classification: Likely benign. Last evaluated: 2017-11-30. Review status: criteria provided, single submitter. Criteria: GeneDx Variant Classification (06012015). Collection method: clinical testing. Allele origin: germline. Affected: yes.
Comment: This variant is considered likely benign or benign based on one or more of the following criteria: it is a conservative change, it occurs at a poorly conserved position in the protein, it is predicted to be benign by multiple in silico algorithms, and/or has population frequency not consistent with disease.